The following is an entry in ClinVar:

NM_012434.5(SLC17A5):c.1111+1G>T

Gene: SLC17A5 (solute carrier family 17 member 5; minus strand). Cytogenetic location: 6q13.
Variant type: single nucleotide variant.
Coding change: c.1111+1G>T on transcript NM_012434.5 (MANE Select); the canonical splice donor site of the intron after coding-DNA position 1111, G replaced by T.
Molecular consequence: splice donor variant.
Genome position (GRCh38, 1-based): chr6:73,615,314, C>A on the plus strand (G>T on the coding strand, the complement: SLC17A5 is on the minus strand). VCF-style: chr6-73615314-C-A. GRCh37 (hg19) VCF-style: chr6-74325037-C-A.
Other names: c.793+1G>T (NM_001382636.1); c.880+1G>T (NM_001382629.1); c.1024+1G>T (NM_001382632.1); c.1108+1G>T (NM_001382635.1); c.952+1G>T (NM_001382634.1); c.1111+1G>T (NM_001382630.1, NM_001382633.1); c.1132+1G>T (NM_001382631.1).
Identifiers: ClinVar variation 631989 (VCV000631989.23), dbSNP rs777862172, ClinGen allele CA364712138.

ClinVar aggregate classification (germline): Likely pathogenic. Review status: criteria provided, multiple submitters, no conflicts (2 of 4 stars). 5 submissions from 5 submitters: Likely pathogenic (5). Last evaluated 2024-03-28.

Conditions:
Salla disease (SD). Also called: Sialuria, Finnish type; N-acetylneuraminic acid (NANA) storage disease (NSD); Infantile sialic acid storage disorder (ISSD); Less Severe FSASD (Salla Disease). Identifiers: Orphanet 309334, Orphanet 834, MedGen C1096903, MONDO:0011449, OMIM 604369.
Sialic acid storage disease, severe infantile type (ISSD). Also called: Infantile Sialic Acid Storage Disease; INFANTILE SIALIC ACID STORAGE DISORDER; Free sialic acid storage disease, infantile form; N-ACETYLNEURAMINIC ACID STORAGE DISEASE; NANA STORAGE DISEASE; SIALURIA, INFANTILE FORM. Identifiers: Orphanet 309324, Orphanet 834, MedGen C1096902, MONDO:0010027, OMIM 269920.

Allele frequency attached by ClinVar (database versions not stated): TOPMed below 0.00001.
gnomAD v4.1: 19 of 1,613,830 alleles (0.0012%); highest among the groups gnomAD compares: Non-Finnish European, 0.0016%; no homozygotes.

Submissions (5):

Fulgent Genetics
Classification: Likely pathogenic for Sialic acid storage disease, severe infantile type; Salla disease. Last evaluated: 2024-03-28. Review status: criteria provided, single submitter. Criteria: ACMG Guidelines, 2015. Collection method: clinical testing. Allele origin: germline.

Natera, Inc.
Classification: Likely pathogenic for Salla disease. Last evaluated: 2024-02-28. Review status: criteria provided, single submitter. Criteria: Natera Variant Classification Schema (03/2026). Collection method: clinical testing. Allele origin: germline.
Comment: The c.1111+1G>T variant in SLC17A5 is a canonical splice donor site variant predicted to affect pre-mRNA splicing, which may result in an abnormal transcript and altered protein product. This variant is expected to result in nonsense mediated decay, truncation, or a dysfunctional protein product. This variant is rare in the general population with a frequency below the threshold expected for the associated phenotype(s). Given the available evidence, this variant is classified as Likely Pathogenic.

Labcorp Genetics (formerly Invitae), Labcorp
Classification: Likely pathogenic for Salla disease. Last evaluated: 2024-02-02. Review status: criteria provided, single submitter. Criteria: Invitae Variant Classification Sherloc (09022015). Collection method: clinical testing. Allele origin: germline.
Comment: This sequence change affects a donor splice site in intron 8 of the SLC17A5 gene. It is expected to disrupt RNA splicing. Variants that disrupt the donor or acceptor splice site typically lead to a loss of protein function (PMID: 16199547), and loss-of-function variants in SLC17A5 are known to be pathogenic (PMID: 10581036, 10947946, 15172001). This variant is present in population databases (rs777862172, gnomAD 0.0009%). This variant has not been reported in the literature in individuals affected with SLC17A5-related conditions. ClinVar contains an entry for this variant (Variation ID: 631989). Algorithms developed to predict the effect of sequence changes on RNA splicing suggest that this variant may disrupt the consensus splice site. In summary, the currently available evidence indicates that the variant is pathogenic, but additional data are needed to prove that conclusively. Therefore, this variant has been classified as Likely Pathogenic.

Baylor Genetics
Classification: Likely pathogenic for Salla disease. Last evaluated: 2022-02-27. Review status: criteria provided, single submitter. Criteria: ACMG Guidelines, 2015. Collection method: clinical testing. Allele origin: unknown.

Genome-Nilou Lab
Classification: Likely pathogenic for Salla disease. Last evaluated: 2021-09-05. Review status: criteria provided, single submitter. Criteria: ACMG Guidelines, 2015. Collection method: clinical testing. Allele origin: germline. Affected: no.

Literature cited by the submitters: PubMed 16199547 (cited by Labcorp Genetics (formerly Invitae), Labcorp); PubMed 10581036 (cited by Labcorp Genetics (formerly Invitae), Labcorp); PubMed 10947946 (cited by Labcorp Genetics (formerly Invitae), Labcorp); PubMed 15172001 (cited by Labcorp Genetics (formerly Invitae), Labcorp).